The following is an entry in ClinVar:

ClinVar aggregate classification (germline): Uncertain significance (1 of 4 stars; one submission).

Submission:

GeneDx
Classification: Uncertain significance. Last evaluated: 2023-11-20. Review status: criteria provided, single submitter. Criteria: GeneDx Variant Classification Process June 2021. Collection method: clinical testing. Allele origin: germline. Affected: yes.
Comment: Not observed at significant frequency in large population cohorts (gnomAD); In silico analysis supports a deleterious effect on splicing; Has not been previously published as pathogenic or benign to our knowledge

NM_005676.5(RBM10):c.432+3A>T

Gene: RBM10 (RNA binding motif protein 10; plus strand). Cytogenetic location: Xp11.3.
Variant type: single nucleotide variant.
Coding change: c.432+3A>T on transcript NM_005676.5 (MANE Select); 3 bases into the intron after coding-DNA position 432, A replaced by T.
Molecular consequence: intron variant.
Genome position (GRCh38, 1-based): chrX:47,171,261, A>T. VCF-style: chrX-47171261-A-T. GRCh37 (hg19) VCF-style: chrX-47030660-A-T.
Other names: c.627+3A>T (NM_001204468.2); c.432+3A>T (NM_001204467.2); c.201+1763A>T (NM_001204466.2, NM_152856.3).
Identifiers: ClinVar variation 3342327 (VCV003342327.1).